The following is an entry in ClinVar:

ClinVar aggregate classification (germline): Pathogenic (1 of 4 stars; one submission).

Conditions:
Hereditary cancer-predisposing syndrome. Also called: Hereditary Cancer Syndrome; Hereditary neoplastic syndrome; Tumor predisposition; Neoplastic Syndromes, Hereditary. Identifiers: Orphanet 140162, MedGen C0027672, MeSH D009386, MONDO:0015356.

Submission:

Ambry Genetics
Classification: Pathogenic for Hereditary cancer-predisposing syndrome. Last evaluated: 2019-04-22. Review status: criteria provided, single submitter. Criteria: Ambry Variant Classification Scheme 2023. Collection method: clinical testing. Allele origin: germline.
Comment: The p.Y786* pathogenic mutation (also known as c.2358T>A), located in coding exon 4 of the MSH6 gene, results from a T to A substitution at nucleotide position 2358. This changes the amino acid from a tyrosine to a stop codon within coding exon 4. This alteration is expected to result in loss of function by premature protein truncation or nonsense-mediated mRNA decay. As such, this alteration is interpreted as a disease-causing mutation.

NM_000179.3(MSH6):c.2358T>A (p.Tyr786Ter)

Gene: MSH6 (mutS homolog 6; plus strand). Cytogenetic location: 2p16.3.
Variant type: single nucleotide variant.
Coding change: c.2358T>A on transcript NM_000179.3 (MANE Select); coding-DNA position 2358, T replaced by A.
Protein change: p.Tyr786Ter; replaces tyrosine 786 with a stop codon.
Molecular consequence: nonsense.
Genome position (GRCh38, 1-based): chr2:47,800,341, T>A. VCF-style: chr2-47800341-T-A. GRCh37 (hg19) VCF-style: chr2-48027480-T-A.
Other names: c.1968T>A, p.Tyr656Ter (NM_001281492.2); c.1452T>A, p.Tyr484Ter (NM_001281493.2, NM_001281494.2, NM_001406811.1 and 6 more transcripts); c.2454T>A, p.Tyr818Ter (NM_001406795.1, NM_001406802.1); c.2358T>A, p.Tyr786Ter (NM_001406796.1, NM_001406798.1, NM_001406800.1 and 2 more transcripts); c.2061T>A, p.Tyr687Ter (NM_001406797.1, NM_001406801.1, NM_001406805.1 and 10 more transcripts); c.1833T>A, p.Tyr611Ter (NM_001406799.1, NM_001406806.1, NM_001406807.1); c.2280T>A, p.Tyr760Ter (NM_001406804.1); c.2364T>A, p.Tyr788Ter (NM_001406813.1); and 1 more; short protein forms Y484*, Y656*, Y687*, Y788*, Y818*, Y611*, Y730*, Y760*.
Identifiers: ClinVar variation 1790106 (VCV001790106.2), dbSNP rs923165627, ClinGen allele CA346753587.